The following is an entry in ClinVar:

NM_001298.3(CNGA3):c.1462G>T (p.Ala488Ser)

Gene: CNGA3 (cyclic nucleotide gated channel subunit alpha 3; plus strand). Cytogenetic location: 2q11.2.
Variant type: single nucleotide variant.
Coding change: c.1462G>T on transcript NM_001298.3 (MANE Select); coding-DNA position 1462, G replaced by T.
Protein change: p.Ala488Ser; replaces alanine 488 with serine.
Molecular consequence: missense variant.
Genome position (GRCh38, 1-based): chr2:98,396,632, G>T. VCF-style: chr2-98396632-G-T. GRCh37 (hg19) VCF-style: chr2-99013095-G-T.
Other names: c.1462G>T (NM_001298.2); c.1408G>T, p.Ala470Ser (NM_001079878.2); short protein forms A488S, A470S.
Identifiers: ClinVar variation 1518108 (VCV001518108.7), dbSNP rs1013072215, ClinGen allele CA52635771.

ClinVar aggregate classification (germline): Uncertain significance. Review status: criteria provided, multiple submitters, no conflicts (2 of 4 stars). 2 submissions from 2 submitters: Uncertain significance (2). Last evaluated 2023-12-16.

Conditions:
Inborn genetic diseases. Identifiers: MedGen C0950123, MeSH D030342.

Allele frequency attached by ClinVar (database versions not stated): gnomAD 0.00001; TOPMed 0.00001.
gnomAD v4.1: 2 of 1,614,046 alleles (0.00012%); highest among the groups gnomAD compares: African/African-American, 0.0013%; no homozygotes.

Submissions (2):

Ambry Genetics
Classification: Uncertain significance for Inborn genetic diseases. Last evaluated: 2023-12-16. Review status: criteria provided, single submitter. Criteria: Ambry Variant Classification Scheme 2023. Collection method: clinical testing. Allele origin: germline.

Labcorp Genetics (formerly Invitae), Labcorp
Classification: Uncertain significance. Last evaluated: 2023-08-04. Review status: criteria provided, single submitter. Criteria: Invitae Variant Classification Sherloc (09022015). Collection method: clinical testing. Allele origin: germline.
Comment: In summary, the available evidence is currently insufficient to determine the role of this variant in disease. Therefore, it has been classified as a Variant of Uncertain Significance. Advanced modeling of protein sequence and biophysical properties (such as structural, functional, and spatial information, amino acid conservation, physicochemical variation, residue mobility, and thermodynamic stability) performed at Invitae indicates that this missense variant is expected to disrupt CNGA3 protein function. ClinVar contains an entry for this variant (Variation ID: 1518108). This variant has not been reported in the literature in individuals affected with CNGA3-related conditions. This variant is not present in population databases (gnomAD no frequency). This sequence change replaces alanine, which is neutral and non-polar, with serine, which is neutral and polar, at codon 488 of the CNGA3 protein (p.Ala488Ser).